The following is an entry in ClinVar:

NM_014319.5(LEMD3):c.1948C>G (p.Arg650Gly)

Gene: LEMD3 (LEM domain containing 3; plus strand). Cytogenetic location: 12q14.3.
Variant type: single nucleotide variant.
Coding change: c.1948C>G on transcript NM_014319.5 (MANE Select); coding-DNA position 1948, C replaced by G.
Protein change: p.Arg650Gly; replaces arginine 650 with glycine.
Molecular consequence: missense variant.
Genome position (GRCh38, 1-based): chr12:65,239,955, C>G. VCF-style: chr12-65239955-C-G. GRCh37 (hg19) VCF-style: chr12-65633735-C-G.
Other names: c.1945C>G, p.Arg649Gly (NM_001167614.2); short protein forms R649G, R650G.
Identifiers: ClinVar variation 2864914 (VCV002864914.3), dbSNP rs900236463, ClinGen allele CA385671823.

ClinVar aggregate classification (germline): Uncertain significance (1 of 4 stars; one submission).

Submission:

Labcorp Genetics (formerly Invitae), Labcorp
Classification: Uncertain significance. Last evaluated: 2023-05-16. Review status: criteria provided, single submitter. Criteria: Invitae Variant Classification Sherloc (09022015). Collection method: clinical testing. Allele origin: germline.
Comment: This variant has not been reported in the literature in individuals affected with LEMD3-related conditions. This variant is not present in population databases (gnomAD no frequency). This sequence change replaces arginine, which is basic and polar, with glycine, which is neutral and non-polar, at codon 650 of the LEMD3 protein (p.Arg650Gly). Advanced modeling of protein sequence and biophysical properties (such as structural, functional, and spatial information, amino acid conservation, physicochemical variation, residue mobility, and thermodynamic stability) performed at Invitae indicates that this missense variant is not expected to disrupt LEMD3 protein function. In summary, the available evidence is currently insufficient to determine the role of this variant in disease. Therefore, it has been classified as a Variant of Uncertain Significance.